The following is an entry in ClinVar:

NM_198525.3(KIF7):c.2028A>C (p.Pro676=)

Gene: KIF7 (kinesin family member 7; minus strand). Cytogenetic location: 15q26.1.
Variant type: single nucleotide variant.
Coding change: c.2028A>C on transcript NM_198525.3 (MANE Select); coding-DNA position 2028, A replaced by C.
Protein change: p.Pro676=; no amino-acid change (proline 676 retained).
Molecular consequence: synonymous variant.
Genome position (GRCh38, 1-based): chr15:89,645,346, T>G on the plus strand (A>C on the coding strand, the complement: KIF7 is on the minus strand). VCF-style: chr15-89645346-T-G. GRCh37 (hg19) VCF-style: chr15-90188577-T-G.
Other names: c.2028A>C (NM_198525.2).
Identifiers: ClinVar variation 1639057 (VCV001639057.11), dbSNP rs2142022153, ClinGen allele CA492102897.

ClinVar aggregate classification (germline): Likely benign. Review status: criteria provided, multiple submitters, no conflicts (2 of 4 stars). 3 submissions from 3 submitters: Likely benign (2). 1 of the submissions does not count toward it. Last evaluated 2026-01-18.

Conditions:
Acrocallosal syndrome (ACLS). Also called: HALLUX DUPLICATION, POSTAXIAL POLYDACTYLY, AND ABSENCE OF CORPUS CALLOSUM; Schinzel syndrome 1; Absence of corpus callosum with unusual facial appearance, mental deficiency, duplication of the halluces and polydactyly. Identifiers: Orphanet 36, MedGen C0796147, MONDO:0008708, OMIM 200990.
KIF7-related disorder. Also called: KIF7-related condition.

Submissions (3):

Labcorp Genetics (formerly Invitae), Labcorp
Classification: Likely benign for Acrocallosal syndrome. Last evaluated: 2026-01-18. Review status: criteria provided, single submitter. Criteria: Invitae Variant Classification Sherloc (09022015). Collection method: clinical testing. Allele origin: germline.

Blueprint Genetics
Classification: Likely benign. Last evaluated: 2024-10-21. Review status: criteria provided, single submitter. Criteria: ACMG Guidelines, 2015. Collection method: clinical testing. Allele origin: germline.

PreventionGenetics, part of Exact Sciences
Classification: Likely benign for KIF7-related condition. Last evaluated: 2019-03-19. Review status: no assertion criteria provided. Collection method: clinical testing. Allele origin: germline. Not counted in ClinVar's aggregate classification.
Comment: This variant is classified as likely benign based on ACMG/AMP sequence variant interpretation guidelines (Richards et al. 2015 PMID: 25741868, with internal and published modifications).